The following is an entry in ClinVar:

NM_000257.4(MYH7):c.968T>C (p.Ile323Thr)

Gene: MYH7 (myosin heavy chain 7; minus strand). Cytogenetic location: 14q11.2.
Variant type: single nucleotide variant.
Coding change: c.968T>C on transcript NM_000257.4 (MANE Select); coding-DNA position 968, T replaced by C.
Protein change: p.Ile323Thr; replaces isoleucine 323 with threonine.
Molecular consequence: missense variant.
Genome position (GRCh38, 1-based): chr14:23,430,591, A>G on the plus strand (T>C on the coding strand, the complement: MYH7 is on the minus strand). VCF-style: chr14-23430591-A-G. GRCh37 (hg19) VCF-style: chr14-23899800-A-G.
Other names: p.I323T:ATT>ACT; short protein forms I323T.
Identifiers: ClinVar variation 43115 (VCV000043115.70), dbSNP rs397516275, ClinGen allele CA017042.

ClinVar aggregate classification (germline): Uncertain significance. Review status: criteria provided, multiple submitters, no conflicts (2 of 4 stars). 14 submissions from 14 submitters: Uncertain significance (10). 4 of the submissions do not count toward it. Last evaluated 2026-02-24.

Conditions:
MYH7-related disorder. Also called: MYH7-related condition; MYH7-related disease; MYH7-related disorders.
Cardiovascular phenotype. Identifiers: MedGen CN230736.
Cardiomyopathy (CMYO). Also called: Cardiomyopathies. Identifiers: Orphanet 167848, MedGen C0878544, MONDO:0004994, HP:0001638. Inheritance: Various modes of inheritance.
Hypertrophic cardiomyopathy. Also called: HYPERTROPHIC MYOCARDIOPATHY. Identifiers: Orphanet 217569, MedGen C0007194, MeSH D002312, MONDO:0005045, HP:0001639.

Allele frequency attached by ClinVar (database versions not stated): TOPMed 0.00003; gnomAD 0.00005 and 0.00006.
gnomAD v4.1: 47 of 1,613,974 alleles (0.0029%); highest among the groups gnomAD compares: Admixed American, 0.027%; no homozygotes.

Submissions (14):

Women's Health and Genetics/Laboratory Corporation of America, LabCorp
Classification: Uncertain significance. Last evaluated: 2026-02-24. Review status: criteria provided, single submitter. Criteria: LabCorp Variant Classification Summary - May 2015. Collection method: clinical testing. Allele origin: germline.
Comment: Variant summary: MYH7 c.968T>C (p.Ile323Thr) results in a non-conservative amino acid change located in the Myosin head, motor domain (IPR001609) of the encoded protein sequence. Algorithms developed to predict the effect of missense changes on protein structure and function all suggest that this variant is likely to be disruptive. The variant allele was found at a frequency of 6.4e-05 in 251322 control chromosomes. This frequency is not significantly higher than estimated for disease-causing variants in MYH7, allowing no conclusion about variant significance. c.968T>C has been observed in individuals affected with MYH7-related conditions without evidence for causality (e.g. Harikrishnan_2024, Hayashi_2020, McGurk_2023, Walsh_2017). These report(s) do not provide unequivocal conclusions about association of the variant with Hypertrophic Cardiomyopathy. To our knowledge, no experimental evidence demonstrating an impact on protein function has been reported. The following publications have been ascertained in the context of this evaluation (PMID: 38880420, 31977013, 37652022, 27532257). ClinVar contains an entry for this variant (Variation ID: 43115). Based on the evidence outlined above, the variant was classified as uncertain significance.

Labcorp Genetics (formerly Invitae), Labcorp
Classification: Uncertain significance for Hypertrophic cardiomyopathy. Last evaluated: 2025-11-28. Review status: criteria provided, single submitter. Criteria: Invitae Variant Classification Sherloc (09022015). Collection method: clinical testing. Allele origin: germline.
Comment: This sequence change replaces isoleucine, which is neutral and non-polar, with threonine, which is neutral and polar, at codon 323 of the MYH7 protein (p.Ile323Thr). This variant is present in population databases (rs397516275, gnomAD 0.04%). This missense change has been observed in individual(s) with MYH7-related conditions (PMID: 27532257, 31977013, 37652022). ClinVar contains an entry for this variant (Variation ID: 43115). Invitae Evidence Modeling of protein sequence and biophysical properties (such as structural, functional, and spatial information, amino acid conservation, physicochemical variation, residue mobility, and thermodynamic stability) indicates that this missense variant is expected to disrupt MYH7 protein function with a positive predictive value of 95%. In summary, the available evidence is currently insufficient to determine the role of this variant in disease. Therefore, it has been classified as a Variant of Uncertain Significance.

Color Diagnostics, LLC DBA Color Health
Classification: Uncertain significance for Cardiomyopathy. Last evaluated: 2025-11-26. Review status: criteria provided, single submitter. Criteria: ACMG Guidelines, 2015. Collection method: clinical testing. Allele origin: germline.
Comment: This missense variant replaces isoleucine with threonine at codon 323 of the MYH7 protein. Computational prediction tools indicate that this variant has a deleterious impact on protein structure and function. This variant is found within a highly conserved region of the myosin head domain. Missense variants in this region have been shown to be significantly overrepresented in individuals with hypertrophic cardiomyopathy (PMID: 27532257). To our knowledge, functional studies have not been reported for this variant. This variant has been reported in two individuals affected with hypertrophic cardiomyopathy (PMID: 27532257, 37652022) and in one individual affected with cardiac conduction system disease (PMID: 31977013). This variant has been identified in 47/1613974 chromosomes in the general population by the Genome Aggregation Database (gnomAD). The available evidence is insufficient to determine the role of this variant in disease conclusively. Therefore, this variant is classified as a Variant of Uncertain Significance.

Ambry Genetics
Classification: Uncertain significance for Cardiovascular phenotype. Last evaluated: 2024-06-28. Review status: criteria provided, single submitter. Criteria: Ambry Variant Classification Scheme 2023. Collection method: clinical testing. Allele origin: germline.
Comment: The p.I323T variant (also known as c.968T>C), located in coding exon 9 of the MYH7 gene, results from a T to C substitution at nucleotide position 968. The isoleucine at codon 323 is replaced by threonine, an amino acid with similar properties. This alteration is located in the myosin head domain, which contains a statistically significant clustering of pathogenic missense variants (Homburger JR et al. Proc Natl Acad Sci U S A, 2016 06;113:6701-6; Walsh R et al. Genet Med, 2017 02;19:192-203; Ambry internal data). This alteration has been reported in individuals from hypertrophic cardiomyopathy cohorts; however, clinical details were limited (Walsh R et al. Genet. Med. 2017;19:192-203; Ho CY et al. Circulation. 2018 Oct;138(14):1387-1398). Based on data from gnomAD, the frequency for this variant is above the maximum credible frequency for a disease-causing variant in this gene based on internally established thresholds (Karczewski et al. Nature. 2020 May;581(7809):434-443; Whiffin et al. Genet Med. 2017 10;19:1151-1158). This amino acid position is highly conserved in available vertebrate species. In addition, this alteration is predicted to be deleterious by in silico analysis. Based on the available evidence, the clinical significance of this variant remains unclear.

GeneDx
Classification: Uncertain significance. Last evaluated: 2024-01-19. Review status: criteria provided, single submitter. Criteria: GeneDx Variant Classification Process June 2021. Collection method: clinical testing. Allele origin: germline. Affected: yes.
Comment: Reported in association with HCM (PMID: 27532257); In silico analysis supports that this missense variant has a deleterious effect on protein structure/function; This variant is associated with the following publications: (PMID: 31977013, 27532257, 29300372, 34542152)

All of Us Research Program, National Institutes of Health
Classification: Uncertain significance for Cardiomyopathy. Last evaluated: 2024-01-03. Review status: criteria provided, single submitter. Criteria: ACMG Guidelines, 2015. Collection method: clinical testing. Allele origin: germline. Inheritance: Autosomal dominant inheritance. Observed: 12 variant alleles, 12 heterozygotes.
Comment: This missense variant replaces isoleucine with threonine at codon 323 of the MYH7 protein. Computational prediction tools indicate that this variant has a deleterious impact on protein structure and function. This variant is found within a highly conserved region of the myosin head domain. Missense variants in this region have been shown to be significantly overrepresented in individuals with hypertrophic cardiomyopathy (PMID: 27532257). To our knowledge, functional studies have not been reported for this variant. This variant has been reported in one individual affected with hypertrophic cardiomyopathy (PMID: 27532257) and in one individual affected with cardiac conduction system disease (PMID: 31977013). This variant has been identified in 16/251322 chromosomes in the general population by the Genome Aggregation Database (gnomAD). The available evidence is insufficient to determine the role of this variant in disease conclusively. Therefore, this variant is classified as a Variant of Uncertain Significance.

This study involves interpretation of variants in research participants for the purpose of population health screening. Participant phenotype was not available at the time of variant classification. Additional details can be found in publication PMID: 35346344, PMCID: PMC8962531

CHEO Genetics Diagnostic Laboratory, Children's Hospital of Eastern Ontario
Classification: Uncertain significance for Cardiomyopathy. Last evaluated: 2022-12-22. Review status: criteria provided, single submitter. Criteria: ACMG Guidelines, 2015. Collection method: clinical testing. Allele origin: germline.

CeGaT Center for Human Genetics Tuebingen
Classification: Uncertain significance. Last evaluated: 2022-09-01. Review status: criteria provided, single submitter. Criteria: CeGaT Center For Human Genetics Tuebingen Variant Classification Criteria Version 2. Collection method: clinical testing. Allele origin: germline. Affected: yes. Observed: 1 variant allele.
Comment: MYH7: PM2, PP2

Revvity Omics, Revvity
Classification: Uncertain significance. Last evaluated: 2022-06-22. Review status: criteria provided, single submitter. Criteria: ACMG Guidelines, 2015. Collection method: clinical testing. Allele origin: germline.

Laboratory for Molecular Medicine, Mass General Brigham Personalized Medicine
Classification: Uncertain significance. Last evaluated: 2013-02-08. Review status: criteria provided, single submitter. Criteria: LMM Criteria. Collection method: clinical testing. Allele origin: germline. Observed: 1 variant allele.
Comment: The Ile323Thr variant in MYH7 has not been reported in the literature nor previo usly identified by our laboratory. This variant has also not been identified in large European American and African American populations by the NHLBI Exome Sequ encing Project, though it may be common in ot her populations. Computational analyses (biochemical amino acid properties, cons ervation, AlignGVGD, PolyPhen2, and SIFT) do not provide strong support for or a gainst an impact to the protein but another variant at the same position (Ile323 Asn) has been classified as likely pathogenic for HCM (LMM unpublished data). In summary, additional information is needed to fully assess the clinical signific ance of the Ile323Thr variant.

PreventionGenetics, part of Exact Sciences
Classification: Uncertain significance for MYH7-related condition. Last evaluated: 2024-06-04. Review status: no assertion criteria provided. Collection method: clinical testing. Allele origin: germline. Not counted in ClinVar's aggregate classification.
Comment: The MYH7 c.968T>C variant is predicted to result in the amino acid substitution p.Ile323Thr. This variant has been reported as a variant of uncertain significance in individuals with hypertrophic cardiomyopathy or dilated cardiomyopathy (Walsh et al. 2017. PubMed ID: 27532257; Hayashi et al. 2020. PubMed ID: 31977013; McGurk et al. 2023. PubMed ID: 37652022). The c.968T>C was also reported in a large exome cohort in one carrier that did not have a medical history of hypertrophic cardiomyopathy or neuromuscular findings (Supp. Table 6 in Park et al. 2022. PubMed ID: 34542152). This variant is reported in 0.043% of alleles in individuals of Latino descent in gnomAD. At this time, the clinical significance of this variant is uncertain due to the absence of conclusive functional and genetic evidence.

Clinical Genetics DNA and cytogenetics Diagnostics Lab, Erasmus MC, Erasmus Medical Center
Classification: Uncertain significance. Review status: no assertion criteria provided. Collection method: clinical testing. Allele origin: germline. Affected: yes. Study: VKGL Data-share Consensus. Not counted in ClinVar's aggregate classification.

Clinical Genetics, Academic Medical Center
Classification: Uncertain significance. Review status: no assertion criteria provided. Collection method: clinical testing. Allele origin: germline. Affected: yes. Study: VKGL Data-share Consensus. Not counted in ClinVar's aggregate classification.

Joint Genome Diagnostic Labs from Nijmegen and Maastricht, Radboudumc and MUMC+
Classification: Uncertain significance. Review status: no assertion criteria provided. Collection method: clinical testing. Allele origin: germline. Affected: yes. Study: VKGL Data-share Consensus. Not counted in ClinVar's aggregate classification.

Literature cited by the submitters: PubMed 27532257 (cited by 5 submitters); PubMed 31977013 (cited by 5 submitters); PubMed 37652022 (cited by 3 submitters); PubMed 38880420 (cited by Women's Health and Genetics/Laboratory Corporation of America, LabCorp); PubMed 30297972 (cited by Ambry Genetics); PubMed 34542152 (cited by Ambry Genetics).